The following is an entry in ClinVar:

ClinVar aggregate classification (germline): Uncertain significance (1 of 4 stars; one submission).

Conditions:
Glanzmann thrombasthenia. Also called: Glanzmann's thrombasthenia; BLEEDING DISORDER, PLATELET-TYPE, 2; THROMBASTHENIA OF GLANZMANN AND NAEGELI; Thrombasthenia; PLATELET GLYCOPROTEIN IIb-IIIa DEFICIENCY. Identifiers: Orphanet 849, MedGen C0040015, MONDO:0100326.

Submission:

Labcorp Genetics (formerly Invitae), Labcorp
Classification: Uncertain significance for Glanzmann thrombasthenia. Last evaluated: 2023-04-20. Review status: criteria provided, single submitter. Criteria: Invitae Variant Classification Sherloc (09022015). Collection method: clinical testing. Allele origin: germline.
Comment: In summary, the available evidence is currently insufficient to determine the role of this variant in disease. Therefore, it has been classified as a Variant of Uncertain Significance. This variant is not present in population databases (gnomAD no frequency). Experimental studies and prediction algorithms are not available or were not evaluated, and the functional significance of this variant is currently unknown. This variant has not been reported in the literature in individuals affected with ITGA2B-related conditions. This variant, c.2178_2180del, results in the deletion of 1 amino acid(s) of the ITGA2B protein (p.Lys726del), but otherwise preserves the integrity of the reading frame.

NM_000419.5(ITGA2B):c.2172GAA[2] (p.Lys726del)

Gene: ITGA2B (integrin subunit alpha 2b; minus strand). Cytogenetic location: 17q21.31.
Variant type: Microsatellite.
Coding change: c.2172GAA[2] on transcript NM_000419.5 (MANE Select); two copies in a row of the 3-base unit GAA starting at c.2172; the reference has three copies in a row; one copy, 3 bases deleted.
Protein change: p.Lys726del; deletes lysine 726.
Molecular consequence: inframe deletion.
Genome position (GRCh38, 1-based): chr17:44,377,705-44,377,707, TTC deleted on the plus strand (GAA on the coding strand, the reverse complement: ITGA2B is on the minus strand); deleting any 3 consecutive bases within chr17:44,377,705-44,377,713 gives the same sequence; the position shown is the placement nearest the transcript's 3' end. VCF-style (leftmost placement, unchanged base first): chr17-44377704-GTTC-G. GRCh37 (hg19) VCF-style: chr17-42455072-GTTC-G.
Other names: short protein forms K726del.
Identifiers: ClinVar variation 2886352 (VCV002886352.3), dbSNP rs2048557313, ClinGen allele CA2261366867.